The following is an entry in ClinVar:

ClinVar aggregate classification (germline): Benign/Likely benign. Review status: criteria provided, multiple submitters, no conflicts (2 of 4 stars). 9 submissions from 9 submitters: Benign (1); Likely benign (7). 1 of the submissions does not count toward it. Last evaluated 2026-07-01.

Conditions:
Ehlers-Danlos syndrome, type 4 (EDSVASC). Also called: Ehlers-Danlos Syndrome Type IV; Ehlers-Danlos syndrome vascular type; Ehlers Danlos syndrome, ecchymotic type; Ehlers Danlos syndrome, arterial type; Ehlers Danlos syndrome, Sack-Barabas type. Identifiers: Orphanet 286, MedGen C0268338, MONDO:0017314, OMIM 130050.
COL3A1-related disorder. Also called: COL3A1-related condition.
Familial thoracic aortic aneurysm and aortic dissection (TAAD). Also called: Thoracic aortic aneurysms and dissections. Identifiers: Orphanet 91387, MedGen C4707243, MONDO:0019625.

Allele frequency attached by ClinVar (database versions not stated): gnomAD 0.00002 and 0.00003; TOPMed 0.00003; ESP Exome Variant Server 0.00008; ExAC 0.00010; 1000 Genomes Project 30x 0.00016; 1000 Genomes Project 0.00020.
gnomAD v4.1: 54 of 1,614,034 alleles (0.0033%); highest among the groups gnomAD compares: East Asian, 0.04%; 1 homozygote.

Submissions (9):

CeGaT Center for Human Genetics Tuebingen
Classification: Likely benign. Last evaluated: 2026-07-01. Review status: criteria provided, single submitter. Criteria: CeGaT Center For Human Genetics Tuebingen Variant Classification Criteria Version 2. Collection method: clinical testing. Allele origin: germline. Affected: yes. Observed: 3 variant alleles.
Comment: COL3A1: BP4, BP7

Women's Health and Genetics/Laboratory Corporation of America, LabCorp
Classification: Likely benign. Last evaluated: 2026-04-06. Review status: criteria provided, single submitter. Criteria: LabCorp Variant Classification Summary - May 2015. Collection method: clinical testing. Allele origin: germline.

Labcorp Genetics (formerly Invitae), Labcorp
Classification: Likely benign for Ehlers-Danlos syndrome, type 4. Last evaluated: 2025-10-31. Review status: criteria provided, single submitter. Criteria: Invitae Variant Classification Sherloc (09022015). Collection method: clinical testing. Allele origin: germline.

All of Us Research Program, National Institutes of Health
Classification: Likely benign for Ehlers-Danlos syndrome, type 4. Last evaluated: 2023-12-13. Review status: criteria provided, single submitter. Criteria: ACMG Guidelines, 2015. Collection method: clinical testing. Allele origin: germline. Inheritance: Autosomal dominant inheritance. Observed: 9 variant alleles, 9 heterozygotes.
Comment: This study involves interpretation of variants in research participants for the purpose of population health screening. Participant phenotype was not available at the time of variant classification. Additional details can be found in publication PMID: 35346344, PMCID: PMC8962531

Blueprint Genetics
Classification: Likely benign. Last evaluated: 2023-04-13. Review status: criteria provided, single submitter. Criteria: ACMG Guidelines, 2015. Collection method: clinical testing. Allele origin: germline.

Color Diagnostics, LLC DBA Color Health
Classification: Likely benign for Familial thoracic aortic aneurysm and aortic dissection. Last evaluated: 2019-02-09. Review status: criteria provided, single submitter. Criteria: ACMG Guidelines, 2015. Collection method: clinical testing. Allele origin: germline.

Illumina Laboratory Services, Illumina
Classification: Benign for Ehlers-Danlos syndrome, type 4. Last evaluated: 2018-01-12. Review status: criteria provided, single submitter. Criteria: ICSL Variant Classification Criteria 13 December 2019. Collection method: clinical testing. Allele origin: germline.
Comment: This variant was observed in the ICSL laboratory as part of a predisposition screen in an ostensibly healthy population. It had not been previously curated by ICSL or reported in the Human Gene Mutation Database (HGMD: prior to June 1st, 2018), and was therefore a candidate for classification through an automated scoring system. Utilizing variant allele frequency, disease prevalence and penetrance estimates, and inheritance mode, an automated score was calculated to assess if this variant is too frequent to cause the disease. Based on the score and internal cut-off values, a variant classified as benign is not then subjected to further curation. The score for this variant resulted in a classification of benign for this disease.

Ambry Genetics
Classification: Likely benign for Familial thoracic aortic aneurysm and aortic dissection. Last evaluated: 2017-04-07. Review status: criteria provided, single submitter. Criteria: Ambry Variant Classification Scheme 2023. Collection method: clinical testing. Allele origin: germline.

PreventionGenetics, part of Exact Sciences
Classification: Likely benign for COL3A1-related condition. Last evaluated: 2024-06-28. Review status: no assertion criteria provided. Collection method: clinical testing. Allele origin: germline. Not counted in ClinVar's aggregate classification.
Comment: This variant is classified as likely benign based on ACMG/AMP sequence variant interpretation guidelines (Richards et al. 2015 PMID: 25741868, with internal and published modifications).

NM_000090.4(COL3A1):c.2958C>T (p.Asn986=)

Gene: COL3A1 (collagen type III alpha 1 chain; plus strand). Cytogenetic location: 2q32.2.
Variant type: single nucleotide variant.
Coding change: c.2958C>T on transcript NM_000090.4 (MANE Select); coding-DNA position 2958, C replaced by T.
Protein change: p.Asn986=; no amino-acid change (asparagine 986 retained).
Molecular consequence: synonymous variant.
Genome position (GRCh38, 1-based): chr2:189,005,376, C>T. VCF-style: chr2-189005376-C-T. GRCh37 (hg19) VCF-style: chr2-189870102-C-T.
Identifiers: ClinVar variation 333064 (VCV000333064.52), dbSNP rs41264441, ClinGen allele CA075756.
Genomic context (GRCh38, chr2:189,005,376, plus strand): 5'-TGAAACAAAATGTTTTTCATTCCTTTGTATACAGGGTGAAAGTGGGAAACCAGGAGCTAA[C>T]GGTCTCAGTGGAGAACGTGGTCCCCCTGGACCCCAGGGTCTTCCTGGTCTGGCTGGTACA-3'
Protein context (NP_000081.2, residues 976-996): VKGESGKPGA[Asn986=]GLSGERGPPG